The following is an entry in ClinVar:

ClinVar aggregate classification (germline): Uncertain significance (1 of 4 stars; one submission).

Conditions:
Dilated cardiomyopathy 1DD (CMD1DD). Identifiers: Orphanet 154, MedGen C2750995, MONDO:0013168, OMIM 613172.

Allele frequency attached by ClinVar (database versions not stated): gnomAD exomes below 0.00001.
gnomAD v4.1: 5 of 1,551,788 alleles (0.00032%); highest among the groups gnomAD compares: Non-Finnish European, 0.00035%; no homozygotes.

Submission:

Labcorp Genetics (formerly Invitae), Labcorp
Classification: Uncertain significance for Dilated cardiomyopathy 1DD. Last evaluated: 2020-12-06. Review status: criteria provided, single submitter. Criteria: Invitae Variant Classification Sherloc (09022015). Collection method: clinical testing. Allele origin: germline.
Comment: Advanced modeling of protein sequence and biophysical properties (such as structural, functional, and spatial information, amino acid conservation, physicochemical variation, residue mobility, and thermodynamic stability) performed at Invitae indicates that this missense variant is not expected to disrupt RBM20 protein function. In summary, the available evidence is currently insufficient to determine the role of this variant in disease. Therefore, it has been classified as a Variant of Uncertain Significance. This variant has not been reported in the literature in individuals with RBM20-related conditions. This variant is not present in population databases (ExAC no frequency). This sequence change replaces glutamic acid with glycine at codon 1033 of the RBM20 protein (p.Glu1033Gly). The glutamic acid residue is highly conserved and there is a moderate physicochemical difference between glutamic acid and glycine.

NM_001134363.3(RBM20):c.3098A>G (p.Glu1033Gly)

Gene: RBM20 (RNA binding motif protein 20; plus strand). Cytogenetic location: 10q25.2.
Variant type: single nucleotide variant.
Coding change: c.3098A>G on transcript NM_001134363.3 (MANE Select); coding-DNA position 3098, A replaced by G.
Protein change: p.Glu1033Gly; replaces glutamic acid 1033 with glycine.
Molecular consequence: missense variant.
Genome position (GRCh38, 1-based): chr10:110,821,717, A>G. VCF-style: chr10-110821717-A-G. GRCh37 (hg19) VCF-style: chr10-112581475-A-G.
Other names: short protein forms E1033G.
Identifiers: ClinVar variation 1417189 (VCV001417189.6), dbSNP rs1844914032, ClinGen allele CA378380802.